The following is an entry in ClinVar:

NM_001042432.2(CLN3):c.206C>A (p.Ser69Ter)

Gene: CLN3 (CLN3 lysosomal/endosomal transmembrane protein, battenin; minus strand). Cytogenetic location: 16p12.1.
Variant type: single nucleotide variant.
Coding change: c.206C>A on transcript NM_001042432.2 (MANE Select); coding-DNA position 206, C replaced by A.
Protein change: p.Ser69Ter; replaces serine 69 with a stop codon.
Molecular consequence: nonsense. On other transcripts: 5 prime UTR variant (1).
Genome position (GRCh38, 1-based): chr16:28,489,306, G>T on the plus strand (C>A on the coding strand, the complement: CLN3 is on the minus strand). VCF-style: chr16-28489306-G-T. GRCh37 (hg19) VCF-style: chr16-28500627-G-T.
Other names: c.206C>A, p.Ser69Ter (NM_000086.2, NM_001286104.2); c.-15C>A (NM_001286105.2); c.44C>A, p.Ser15Ter (NM_001286109.2, NM_001286110.2); short protein forms S15*, S69*.
Identifiers: ClinVar variation 3901511 (VCV003901511.1).

ClinVar aggregate classification (germline): Pathogenic (1 of 4 stars; one submission).

Submission:

GeneDx
Classification: Pathogenic. Last evaluated: 2024-12-07. Review status: criteria provided, single submitter. Criteria: GeneDx Variant Classification Process June 2021. Collection method: clinical testing. Allele origin: germline. Affected: yes.
Comment: Nonsense variant predicted to result in protein truncation or nonsense mediated decay in a gene for which loss of function is a known mechanism of disease; Not observed at significant frequency in large population cohorts (gnomAD); Has not been previously published as pathogenic or benign to our knowledge